The following is an entry in ClinVar:

NM_005124.4(NUP153):c.1433C>T (p.Pro478Leu)

Gene: NUP153 (nucleoporin 153; minus strand). Cytogenetic location: 6p22.3.
Variant type: single nucleotide variant.
Coding change: c.1433C>T on transcript NM_005124.4 (MANE Select); coding-DNA position 1433, C replaced by T.
Protein change: p.Pro478Leu; replaces proline 478 with leucine.
Molecular consequence: missense variant.
Genome position (GRCh38, 1-based): chr6:17,649,263, G>A on the plus strand (C>T on the coding strand, the complement: NUP153 is on the minus strand). VCF-style: chr6-17649263-G-A. GRCh37 (hg19) VCF-style: chr6-17649494-G-A.
Other names: c.1526C>T, p.Pro509Leu (NM_001278209.2); c.1433C>T, p.Pro478Leu (NM_001278210.2); short protein forms P478L, P509L.
Identifiers: ClinVar variation 3234120 (VCV003234120.20), dbSNP rs61756067, ClinGen allele CA3647683.

ClinVar aggregate classification (germline): Likely benign (1 of 4 stars; one submission).

Allele frequency attached by ClinVar (database versions not stated): 1000 Genomes Project 30x 0.00375; 1000 Genomes Project 0.00419; TOPMed 0.00508; ESP Exome Variant Server 0.00600; ExAC 0.00646; gnomAD 0.00700.
gnomAD v4.1: 12,575 of 1,613,346 alleles (0.78%); highest among the groups gnomAD compares: Non-Finnish European, 0.88%; 68 homozygotes.

Submission:

CeGaT Center for Human Genetics Tuebingen
Classification: Likely benign. Last evaluated: 2024-04-01. Review status: criteria provided, single submitter. Criteria: CeGaT Center For Human Genetics Tuebingen Variant Classification Criteria Version 2. Collection method: clinical testing. Allele origin: germline. Affected: yes. Observed: 1 variant allele.
Comment: NUP153: BS2